The following is an entry in ClinVar:

ClinVar aggregate classification (germline): Benign (0 of 4 stars; one submission).

Conditions:
DCHS2-related disorder. Also called: DCHS2-related condition.

Allele frequency attached by ClinVar (database versions not stated): 1000 Genomes Project 30x 0.86102; 1000 Genomes Project 0.86781; TOPMed 0.88697; ESP Exome Variant Server 0.89328; gnomAD 0.89795; ExAC 0.94400; gnomAD exomes 0.96875.

Submission:

PreventionGenetics, part of Exact Sciences
Classification: Benign for DCHS2-related condition. Last evaluated: 2019-10-17. Review status: no assertion criteria provided. Collection method: clinical testing. Allele origin: germline.
Comment: This variant is classified as benign based on ACMG/AMP sequence variant interpretation guidelines (Richards et al. 2015 PMID: 25741868, with internal and published modifications).

NM_001358235.2(DCHS2):c.4055A>G (p.Asn1352Ser)

Gene: DCHS2 (dachsous cadherin-related 2; minus strand). Cytogenetic location: 4q31.3.
Variant type: single nucleotide variant.
Coding change: c.4055A>G on transcript NM_001358235.2 (MANE Select); coding-DNA position 4055, A replaced by G.
Protein change: p.Asn1352Ser; replaces asparagine 1352 with serine.
Molecular consequence: missense variant.
Genome position (GRCh38, 1-based): chr4:154,322,452, T>C on the plus strand (A>G on the coding strand, the complement: DCHS2 is on the minus strand). VCF-style: chr4-154322452-T-C. GRCh37 (hg19) VCF-style: chr4-155243604-T-C.
Other names: short protein forms N1352S.
Identifiers: ClinVar variation 3059604 (VCV003059604.2), dbSNP rs1352714, ClinGen allele CA3112956.